The following is an entry in ClinVar:

ClinVar aggregate classification (germline): Pathogenic (1 of 4 stars; one submission).

Conditions:
Au-Kline syndrome. Also called: Okamoto syndrome; Neurodevelopmental disorder-craniofacial dysmorphism-cardiac defect-hip dysplasia syndrome due to a point mutation. Identifiers: Orphanet 2729, Orphanet 453499, Orphanet 453504, MedGen C4225274, MONDO:0014700, OMIM 616580.

Submission:

Centre for Mendelian Genomics, University Medical Centre Ljubljana
Classification: Pathogenic for Au-Kline syndrome. Last evaluated: 2020-03-31. Review status: criteria provided, single submitter. Criteria: ACMG Guidelines, 2015. Collection method: clinical testing. Allele origin: unknown. Affected: yes.
Comment: This variant was classified as: Pathogenic. The following ACMG criteria were applied in classifying this variant: PVS1,PS2_MOD,PM2.

NM_031263.4(HNRNPK):c.1192-14_1192-2del

Gene: HNRNPK (heterogeneous nuclear ribonucleoprotein K; minus strand). Cytogenetic location: 9q21.32.
Variant type: Deletion.
Coding change: c.1192-14_1192-2del on transcript NM_031263.4 (MANE Select); 14 bases into the intron before coding-DNA position 1192 through the canonical splice acceptor site of the intron before coding-DNA position 1192, 13 bases deleted (AAAAATCTTTTCA).
Molecular consequence: splice acceptor variant.
Genome position (GRCh38, 1-based): chr9:83,970,333-83,970,345, TGAAAAGATTTTT deleted on the plus strand (AAAAATCTTTTCA on the coding strand, the reverse complement: HNRNPK is on the minus strand); deleting any 13 consecutive bases within chr9:83,970,333-83,970,346 gives the same sequence; the c. name uses the placement nearest the transcript's 3' end. VCF-style (leftmost placement, unchanged base first): chr9-83970332-CTGAAAAGATTTTT-C. GRCh37 (hg19) VCF-style: chr9-86585247-CTGAAAAGATTTTT-C.
Other names: c.1192-14_1192-2del (NM_031262.4, NM_002140.5, NM_001318188.2); c.1120-14_1120-2del (NM_001318186.2, NM_001318187.2).
Identifiers: ClinVar variation 931166 (VCV000931166.3), dbSNP rs1956767508, ClinGen allele CA1139661002.
Genomic context (GRCh38, chr9:83,970,332, plus strand): 5'-CGACTCATGACGGATTTGTTTAATCCGCTGACCACCTTTGCCAATAATAGATCCAGCCAA[CTGAAAAGATTTTT>C]TAAAAGTATGTGTTTACGATATACTTTTAACATTTACTACCTGTATTTTCAAGGAGCATG-3'